The following is an entry in ClinVar:

ClinVar aggregate classification (germline): Uncertain significance (1 of 4 stars; one submission).

gnomAD v4.1: 3 of 1,612,198 alleles (0.00019%); highest among the groups gnomAD compares: South Asian, 0.0033%; no homozygotes.

Submission:

Labcorp Genetics (formerly Invitae), Labcorp
Classification: Uncertain significance. Last evaluated: 2022-04-11. Review status: criteria provided, single submitter. Criteria: Invitae Variant Classification Sherloc (09022015). Collection method: clinical testing. Allele origin: germline.
Comment: This sequence change replaces leucine, which is neutral and non-polar, with proline, which is neutral and non-polar, at codon 1149 of the LRP5 protein (p.Leu1149Pro). This variant is present in population databases (rs200389686, gnomAD 0.006%). This variant has not been reported in the literature in individuals affected with LRP5-related conditions. Advanced modeling of protein sequence and biophysical properties (such as structural, functional, and spatial information, amino acid conservation, physicochemical variation, residue mobility, and thermodynamic stability) performed at Invitae indicates that this missense variant is expected to disrupt LRP5 protein function. In summary, the available evidence is currently insufficient to determine the role of this variant in disease. Therefore, it has been classified as a Variant of Uncertain Significance.

NM_002335.4(LRP5):c.3446T>C (p.Leu1149Pro)

Gene: LRP5 (LDL receptor related protein 5; plus strand). Cytogenetic location: 11q13.2.
Variant type: single nucleotide variant.
Coding change: c.3446T>C on transcript NM_002335.4 (MANE Select); coding-DNA position 3446, T replaced by C.
Protein change: p.Leu1149Pro; replaces leucine 1149 with proline.
Molecular consequence: missense variant.
Genome position (GRCh38, 1-based): chr11:68,425,996, T>C. VCF-style: chr11-68425996-T-C. GRCh37 (hg19) VCF-style: chr11-68193464-T-C.
Other names: c.1703T>C, p.Leu568Pro (NM_001291902.2); short protein forms L568P, L1149P.
Identifiers: ClinVar variation 1483102 (VCV001483102.6), dbSNP rs200389686, ClinGen allele CA6150003.